The following is an entry in ClinVar:

ClinVar aggregate classification (germline): Likely pathogenic (1 of 4 stars; one submission).

Conditions:
Glycogen storage disease type III (GSD3). Also called: FORBES DISEASE; Cori disease. Identifiers: Orphanet 366, MedGen C0017922, MONDO:0009291, OMIM 232400.

Submission:

Kariminejad - Najmabadi Pathology & Genetics Center
Classification: Likely pathogenic for Glycogen storage disease type III. Last evaluated: 2024-07-17. Review status: criteria provided, single submitter. Criteria: ACMG Guidelines, 2015. Collection method: clinical testing. Allele origin: germline. Inheritance: Autosomal recessive inheritance. Affected: yes.
Comment: PVS1_vs,PM2

NM_000642.3(AGL):c.1274T>A (p.Leu425Ter)

Gene: AGL (amylo-alpha-1,6-glucosidase and 4-alpha-glucanotransferase; plus strand). Cytogenetic location: 1p21.2.
Variant type: single nucleotide variant.
Coding change: c.1274T>A on transcript NM_000642.3 (MANE Select); coding-DNA position 1274, T replaced by A.
Protein change: p.Leu425Ter; replaces leucine 425 with a stop codon.
Molecular consequence: nonsense. On other transcripts: intron variant (1).
Genome position (GRCh38, 1-based): chr1:99,875,446, T>A. VCF-style: chr1-99875446-T-A. GRCh37 (hg19) VCF-style: chr1-100341002-T-A.
Other names: c.896T>A, p.Leu299Ter (NM_001425332.1); c.1082+636T>A (NM_001425327.1); c.1274T>A, p.Leu425Ter (NM_000028.3, NM_000643.3, NM_000644.3 and 2 more transcripts); c.1226T>A, p.Leu409Ter (NM_000646.3); c.1070T>A, p.Leu357Ter (NM_001425328.1, NM_001425329.1); short protein forms L299*, L357*, L409*, L425*.
Identifiers: ClinVar variation 3897067 (VCV003897067.1).